The following is an entry in ClinVar:

ClinVar aggregate classification (germline): Uncertain significance. Review status: criteria provided, multiple submitters, no conflicts (2 of 4 stars). 2 submissions from 2 submitters: Uncertain significance (2). Last evaluated 2023-07-17.

Allele frequency attached by ClinVar (database versions not stated): gnomAD exomes 0.00001; ExAC 0.00003; gnomAD 0.00003 and 0.00005; TOPMed 0.00006; ESP Exome Variant Server 0.00023.

Submissions (2):

Labcorp Genetics (formerly Invitae), Labcorp
Classification: Uncertain significance. Last evaluated: 2023-07-17. Review status: criteria provided, single submitter. Criteria: Invitae Variant Classification Sherloc (09022015). Collection method: clinical testing. Allele origin: germline.
Comment: This sequence change replaces threonine, which is neutral and polar, with serine, which is neutral and polar, at codon 288 of the TUBGCP6 protein (p.Thr288Ser). In summary, the available evidence is currently insufficient to determine the role of this variant in disease. Therefore, it has been classified as a Variant of Uncertain Significance. An algorithm developed to predict the effect of missense changes on protein structure and function (PolyPhen-2) suggests that this variant is likely to be disruptive. ClinVar contains an entry for this variant (Variation ID: 1043569). This variant has not been reported in the literature in individuals affected with TUBGCP6-related conditions. This variant is present in population databases (rs375138888, gnomAD 0.02%).

Blueprint Genetics
Classification: Uncertain significance. Last evaluated: 2023-04-20. Review status: criteria provided, single submitter. Criteria: ACMG Guidelines, 2015. Collection method: clinical testing. Allele origin: germline.

NM_020461.4(TUBGCP6):c.863C>G (p.Thr288Ser)

Gene: TUBGCP6 (tubulin gamma complex component 6; minus strand). Cytogenetic location: 22q13.33.
Variant type: single nucleotide variant.
Coding change: c.863C>G on transcript NM_020461.4 (MANE Select); coding-DNA position 863, C replaced by G.
Protein change: p.Thr288Ser; replaces threonine 288 with serine.
Molecular consequence: missense variant.
Genome position (GRCh38, 1-based): chr22:50,240,246, G>C on the plus strand (C>G on the coding strand, the complement: TUBGCP6 is on the minus strand). VCF-style: chr22-50240246-G-C. GRCh37 (hg19) VCF-style: chr22-50678675-G-C.
Other names: short protein forms T288S.
Identifiers: ClinVar variation 1043569 (VCV001043569.8), dbSNP rs375138888, ClinGen allele CA10308932.
Genomic context (GRCh38, chr22:50,240,246, plus strand): 5'-GCAAAGAAGGGCACACACCAGCCAACTCGCTCCCAGCACCTCCGCTTGCTGGCCTCATAG[G>C]TAAGTGCGGCTTCCCACAGGTCCACGTCTGGGGTCACGCTGGGCTCAGACTGGGAATCAG-3'
Protein context (NP_065194.3, residues 278-298): PDVDLWEAAL[Thr288Ser]YEASKRRCWE